The following is an entry in ClinVar:

NM_001853.4(COL9A3):c.436C>T (p.Leu146Phe)

Gene: COL9A3 (collagen type IX alpha 3 chain; plus strand). Cytogenetic location: 20q13.33.
Variant type: single nucleotide variant.
Coding change: c.436C>T on transcript NM_001853.4 (MANE Select); coding-DNA position 436, C replaced by T.
Protein change: p.Leu146Phe; replaces leucine 146 with phenylalanine.
Molecular consequence: missense variant.
Genome position (GRCh38, 1-based): chr20:62,822,123, C>T. VCF-style: chr20-62822123-C-T. GRCh37 (hg19) VCF-style: chr20-61453475-C-T.
Other names: c.436C>T, p.Leu146Phe (LRG_1253t1); short protein forms L146F.
Identifiers: ClinVar variation 451035 (VCV000451035.3), dbSNP rs775721301, ClinGen allele CA409589270.

ClinVar aggregate classification (germline): Uncertain significance (1 of 4 stars; one submission).

Submission:

GeneDx
Classification: Uncertain significance. Last evaluated: 2025-03-18. Review status: criteria provided, single submitter. Criteria: GeneDx Variant Classification Process June 2021. Collection method: clinical testing. Allele origin: germline. Affected: yes.
Comment: Not observed at significant frequency in large population cohorts (gnomAD); In silico analysis indicates that this missense variant does not alter protein structure/function; Has not been previously published as pathogenic or benign to our knowledge